The following is an entry in ClinVar:

ClinVar aggregate classification (germline): Uncertain significance. Review status: criteria provided, multiple submitters, no conflicts (2 of 4 stars). 2 submissions from 2 submitters: Uncertain significance (2). Last evaluated 2025-05-06.

Conditions:
Epileptic encephalopathy. Identifiers: MedGen C0543888, HP:0200134.

Allele frequency attached by ClinVar (database versions not stated): TOPMed below 0.00001; gnomAD 0.00001; gnomAD exomes 0.00001; ExAC 0.00002; 1000 Genomes Project 30x 0.00016; 1000 Genomes Project 0.00020.

Submissions (2):

Ambry Genetics
Classification: Uncertain significance. Last evaluated: 2025-05-06. Review status: criteria provided, single submitter. Criteria: Ambry Variant Classification Scheme 2023. Collection method: clinical testing. Allele origin: germline.

Labcorp Genetics (formerly Invitae), Labcorp
Classification: Uncertain significance for Epileptic encephalopathy. Last evaluated: 2021-02-01. Review status: criteria provided, single submitter. Criteria: Invitae Variant Classification Sherloc (09022015). Collection method: clinical testing. Allele origin: germline.
Comment: In summary, the available evidence is currently insufficient to determine the role of this variant in disease. Therefore, it has been classified as a Variant of Uncertain Significance. Algorithms developed to predict the effect of missense changes on protein structure and function are either unavailable or do not agree on the potential impact of this missense change (SIFT: "Deleterious"; PolyPhen-2: "Benign"; Align-GVGD: "Class C0"). This variant has not been reported in the literature in individuals with FASN-related conditions. This variant is present in population databases (rs200141857, ExAC 0.01%). This sequence change replaces arginine with cysteine at codon 633 of the FASN protein (p.Arg633Cys). The arginine residue is moderately conserved and there is a large physicochemical difference between arginine and cysteine.

NM_004104.5(FASN):c.1897C>T (p.Arg633Cys)

Gene: FASN (fatty acid synthase; minus strand). Cytogenetic location: 17q25.3.
Variant type: single nucleotide variant.
Coding change: c.1897C>T on transcript NM_004104.5 (MANE Select); coding-DNA position 1897, C replaced by T.
Protein change: p.Arg633Cys; replaces arginine 633 with cysteine.
Molecular consequence: missense variant.
Genome position (GRCh38, 1-based): chr17:82,089,700, G>A on the plus strand (C>T on the coding strand, the complement: FASN is on the minus strand). VCF-style: chr17-82089700-G-A. GRCh37 (hg19) VCF-style: chr17-80047576-G-A.
Other names: c.1897C>T (NM_004104.4); short protein forms R633C.
Identifiers: ClinVar variation 1471131 (VCV001471131.9), dbSNP rs200141857, ClinGen allele CA8852982.
Genomic context (GRCh38, chr17:82,089,700, plus strand): 5'-CCGAGATGGTGACTGTGTCCTTGGAGTTGTGGCAGGCGGGCACCACGCCCGGGGGGCAGC[G>A]CTGTTTACACTCCTCCCAGGACAAGCCTATGGCAGAGCCAGCCTCAGAGGCTTAGCGTGG-3'
Protein context (NP_004095.4, residues 623-643): VGLSWEECKQ[Arg633Cys]CPPGVVPACH